The following is an entry in ClinVar:

ClinVar aggregate classification (germline): Likely benign. Review status: criteria provided, multiple submitters, no conflicts (2 of 4 stars). 5 submissions from 5 submitters: Likely benign (4). 1 of the submissions does not count toward it. Last evaluated 2026-01-28.

Conditions:
LRP2-related disorder. Also called: LRP2-related condition.
Donnai-Barrow syndrome. Also called: FACIOOCULOACOUSTICORENAL SYNDROME; DBS/FOAR SYNDROME. Identifiers: Orphanet 2143, MedGen C1857277, MONDO:0009104, OMIM 222448.

Allele frequency attached by ClinVar (database versions not stated): ESP Exome Variant Server 0.00008; 1000 Genomes Project 30x 0.00031; 1000 Genomes Project 0.00040; TOPMed 0.00058; gnomAD 0.00076 and 0.00078.
gnomAD v4.1: 238 of 1,614,232 alleles (0.015%); highest among the groups gnomAD compares: Admixed American, 0.37%; 1 homozygote.

Submissions (5):

Labcorp Genetics (formerly Invitae), Labcorp
Classification: Likely benign. Last evaluated: 2026-01-28. Review status: criteria provided, single submitter. Criteria: Invitae Variant Classification Sherloc (09022015). Collection method: clinical testing. Allele origin: germline.

CeGaT Center for Human Genetics Tuebingen
Classification: Likely benign. Last evaluated: 2023-03-01. Review status: criteria provided, single submitter. Criteria: CeGaT Center For Human Genetics Tuebingen Variant Classification Criteria Version 2. Collection method: clinical testing. Allele origin: germline. Affected: yes. Observed: 2 variant alleles.
Comment: LRP2: BP4, BP7

Blueprint Genetics
Classification: Likely benign. Last evaluated: 2022-09-29. Review status: criteria provided, single submitter. Criteria: ACMG Guidelines, 2015. Collection method: clinical testing. Allele origin: germline.

Genome-Nilou Lab
Classification: Likely benign for Donnai-Barrow syndrome. Last evaluated: 2021-07-15. Review status: criteria provided, single submitter. Criteria: ACMG Guidelines, 2015. Collection method: clinical testing. Allele origin: germline. Affected: no.

PreventionGenetics, part of Exact Sciences
Classification: Likely benign for LRP2-related condition. Last evaluated: 2019-11-25. Review status: no assertion criteria provided. Collection method: clinical testing. Allele origin: germline. Not counted in ClinVar's aggregate classification.
Comment: This variant is classified as likely benign based on ACMG/AMP sequence variant interpretation guidelines (Richards et al. 2015 PMID: 25741868, with internal and published modifications).

NM_004525.3(LRP2):c.8070G>A (p.Lys2690=)

Gene: LRP2 (LDL receptor related protein 2; minus strand). Cytogenetic location: 2q31.1.
Variant type: single nucleotide variant.
Coding change: c.8070G>A on transcript NM_004525.3 (MANE Select); coding-DNA position 8070, G replaced by A.
Protein change: p.Lys2690=; no amino-acid change (lysine 2690 retained).
Molecular consequence: synonymous variant.
Genome position (GRCh38, 1-based): chr2:169,202,895, C>T on the plus strand (G>A on the coding strand, the complement: LRP2 is on the minus strand). VCF-style: chr2-169202895-C-T. GRCh37 (hg19) VCF-style: chr2-170059405-C-T.
Identifiers: ClinVar variation 748379 (VCV000748379.55), dbSNP rs144284604, ClinGen allele CA1953941.